The following is an entry in ClinVar:

NM_006031.6(PCNT):c.8089_8090del (p.Gln2697fs)

Gene: PCNT (pericentrin; plus strand). Cytogenetic location: 21q22.3.
Variant type: Microsatellite.
Coding change: c.8089_8090del on transcript NM_006031.6 (MANE Select); coding-DNA positions 8089 to 8090, 2 bases deleted (CA; older notation c.8089_8090delCA).
Protein change: p.Gln2697fs; shifts the reading frame from glutamine 2697.
Molecular consequence: frameshift variant.
Genome position (GRCh38, 1-based): chr21:46,431,553-46,431,554, CA deleted; deleting any 2 consecutive bases within chr21:46,431,550-46,431,554 gives the same sequence; the c. name uses the placement nearest the transcript's 3' end. VCF-style (leftmost placement, unchanged base first): chr21-46431549-GAC-G. GRCh37 (hg19) VCF-style: chr21-47851463-GAC-G.
Other names: c.7735_7736del, p.Gln2579fs (NM_001315529.2); short protein forms Q2579fs, Q2697fs.
Identifiers: ClinVar variation 4996557 (VCV004996557.1).

ClinVar aggregate classification (germline): Likely pathogenic (1 of 4 stars; one submission).

Conditions:
PCNT-related disorder. Also called: PCNT-related condition.

Submission:

PreventionGenetics, part of Exact Sciences
Classification: Likely pathogenic for PCNT-related condition. Last evaluated: 2026-07-13. Review status: criteria provided, single submitter. Criteria: ACMG Guidelines, 2015. Collection method: clinical testing. Allele origin: germline.
Comment: The PCNT c.8089_8090delCA variant is predicted to result in a frameshift and premature protein termination (p.Gln2697Alafs*45). To our knowledge, this variant has not been reported in the literature. This variant is reported in 0.0065% of alleles in individuals of South Asian descent in gnomAD. Frameshift variants in PCNT are expected to be pathogenic. This variant is interpreted as likely pathogenic.